The following is an entry in ClinVar:

NM_004958.4(MTOR):c.1782del (p.Phe594fs)

Gene: MTOR (mechanistic target of rapamycin kinase; minus strand). Cytogenetic location: 1p36.22.
Variant type: Deletion.
Coding change: c.1782del on transcript NM_004958.4 (MANE Select); coding-DNA position 1782, one base deleted (T; older notation c.1782delT).
Protein change: p.Phe594fs; shifts the reading frame from phenylalanine 594.
Molecular consequence: frameshift variant.
Genome position (GRCh38, 1-based): chr1:11,240,307, A deleted on the plus strand (T on the coding strand, the reverse complement: MTOR is on the minus strand); the first of 3 consecutive A bases (chr1:11,240,307-11,240,309); deleting any one gives the same sequence. VCF-style (leftmost placement, unchanged base first): chr1-11240306-CA-C. GRCh37 (hg19) VCF-style: chr1-11300363-CA-C.
Other names: c.1782del, p.Phe594fs (NM_001386500.1); c.534del, p.Phe178fs (NM_001386501.1); short protein forms F178fs, F594fs.
Identifiers: ClinVar variation 1331592 (VCV001331592.7), dbSNP rs2100909155, ClinGen allele CA2573051340.

ClinVar aggregate classification (germline): Uncertain significance. Review status: criteria provided, multiple submitters, no conflicts (2 of 4 stars). 2 submissions from 2 submitters: Uncertain significance (2). Last evaluated 2023-10-11.

Submissions (2):

Labcorp Genetics (formerly Invitae), Labcorp
Classification: Uncertain significance. Last evaluated: 2023-10-11. Review status: criteria provided, single submitter. Criteria: Invitae Variant Classification Sherloc (09022015). Collection method: clinical testing. Allele origin: germline.
Comment: This sequence change creates a premature translational stop signal (p.Phe594Leufs*6) in the MTOR gene. It is expected to result in an absent or disrupted protein product. However, the current clinical and genetic evidence is not sufficient to establish whether loss-of-function variants in MTOR cause disease. This variant is not present in population databases (gnomAD no frequency). This variant has not been reported in the literature in individuals affected with MTOR-related conditions. ClinVar contains an entry for this variant (Variation ID: 1331592). In summary, the available evidence is currently insufficient to determine the role of this variant in disease. Therefore, it has been classified as a Variant of Uncertain Significance.

Greenwood Genetic Center Diagnostic Laboratories, Greenwood Genetic Center
Classification: Uncertain significance. Last evaluated: 2021-01-06. Review status: criteria provided, single submitter. Criteria: ACMG Guidelines, 2015. Collection method: clinical testing. Allele origin: germline. Affected: yes.
Comment: PM2